The following is an entry in ClinVar:

ClinVar aggregate classification (germline): Uncertain significance (1 of 4 stars; one submission).

Conditions:
Duchenne muscular dystrophy (DMD). Also called: MUSCULAR DYSTROPHY, PSEUDOHYPERTROPHIC PROGRESSIVE, DUCHENNE TYPE; Duchenne Muscular Dystrophy (DMD). Identifiers: Orphanet 98896, MedGen C0013264, MONDO:0010679, OMIM 310200.

Allele frequency attached by ClinVar (database versions not stated): gnomAD exomes below 0.00001.
gnomAD v4.1: 1 of 1,211,053 alleles (0.000083%); highest among the groups gnomAD compares: African/African-American, 0.0017%; no homozygotes.

Submission:

Labcorp Genetics (formerly Invitae), Labcorp
Classification: Uncertain significance for Duchenne muscular dystrophy. Last evaluated: 2024-09-12. Review status: criteria provided, single submitter. Criteria: Invitae Variant Classification Sherloc (09022015). Collection method: clinical testing. Allele origin: germline.
Comment: This sequence change replaces glutamine, which is neutral and polar, with glutamic acid, which is acidic and polar, at codon 2080 of the DMD protein (p.Gln2080Glu). This variant is not present in population databases (gnomAD no frequency). This variant has not been reported in the literature in individuals affected with DMD-related conditions. ClinVar contains an entry for this variant (Variation ID: 1360118). Invitae Evidence Modeling of protein sequence and biophysical properties (such as structural, functional, and spatial information, amino acid conservation, physicochemical variation, residue mobility, and thermodynamic stability) indicates that this missense variant is not expected to disrupt DMD protein function with a negative predictive value of 95%. In summary, the available evidence is currently insufficient to determine the role of this variant in disease. Therefore, it has been classified as a Variant of Uncertain Significance.

NM_004006.3(DMD):c.6238C>G (p.Gln2080Glu)

Gene: DMD (dystrophin; minus strand). Cytogenetic location: Xp21.1.
Variant type: single nucleotide variant.
Coding change: c.6238C>G on transcript NM_004006.3 (MANE Select); coding-DNA position 6238, C replaced by G.
Protein change: p.Gln2080Glu; replaces glutamine 2080 with glutamic acid.
Molecular consequence: missense variant.
Genome position (GRCh38, 1-based): chrX:32,287,581, G>C on the plus strand (C>G on the coding strand, the complement: DMD is on the minus strand). VCF-style: chrX-32287581-G-C. GRCh37 (hg19) VCF-style: chrX-32305698-G-C.
Other names: c.6214C>G, p.Gln2072Glu (NM_000109.4); c.6226C>G, p.Gln2076Glu (NM_004009.3); c.5869C>G, p.Gln1957Glu (NM_004010.3); c.2215C>G, p.Gln739Glu (NM_004011.4); c.2206C>G, p.Gln736Glu (NM_004012.4); short protein forms Q1957E, Q739E, Q2072E, Q2076E, Q2080E, Q736E.
Identifiers: ClinVar variation 1360118 (VCV001360118.8), dbSNP rs1340785309, ClinGen allele CA412665886.